The following is an entry in ClinVar:

ClinVar aggregate classification (germline): Uncertain significance (1 of 4 stars; one submission).

Conditions:
Hereditary cancer-predisposing syndrome. Also called: Neoplastic Syndromes, Hereditary; Tumor predisposition; Hereditary Cancer Syndrome; Hereditary neoplastic syndrome. Identifiers: Orphanet 140162, MedGen C0027672, MeSH D009386, MONDO:0015356.

Submission:

Ambry Genetics
Classification: Uncertain significance for Hereditary cancer-predisposing syndrome. Last evaluated: 2020-01-23. Review status: criteria provided, single submitter. Criteria: Ambry Variant Classification Scheme 2023. Collection method: clinical testing. Allele origin: germline.
Comment: The p.G224R variant (also known as c.670G>C), located in coding exon 6 of the NBN gene, results from a G to C substitution at nucleotide position 670. The glycine at codon 224 is replaced by arginine, an amino acid with dissimilar properties. This amino acid position is highly conserved in available vertebrate species. In addition, the in silico prediction for this alteration is inconclusive. Since supporting evidence is limited at this time, the clinical significance of this alteration remains unclear.

NM_002485.5(NBN):c.670G>C (p.Gly224Arg)

Gene: NBN (nibrin; minus strand). Cytogenetic location: 8q21.3.
Variant type: single nucleotide variant.
Coding change: c.670G>C on transcript NM_002485.5 (MANE Select); coding-DNA position 670, G replaced by C.
Protein change: p.Gly224Arg; replaces glycine 224 with arginine.
Molecular consequence: missense variant.
Genome position (GRCh38, 1-based): chr8:89,971,205, C>G on the plus strand (G>C on the coding strand, the complement: NBN is on the minus strand). VCF-style: chr8-89971205-C-G. GRCh37 (hg19) VCF-style: chr8-90983433-C-G.
Other names: c.424G>C, p.Gly142Arg (NM_001024688.3); short protein forms G142R, G224R.
Identifiers: ClinVar variation 1755039 (VCV001755039.2), dbSNP rs1563561588, ClinGen allele CA371659021.